The following is an entry in ClinVar:

NM_000352.6(ABCC8):c.822+9G>A

Gene: ABCC8 (ATP binding cassette subfamily C member 8; minus strand). Cytogenetic location: 11p15.1.
Variant type: single nucleotide variant.
Coding change: c.822+9G>A on transcript NM_000352.6 (MANE Select); 9 bases into the intron after coding-DNA position 822, G replaced by A.
Molecular consequence: intron variant.
Genome position (GRCh38, 1-based): chr11:17,461,574, C>T on the plus strand (G>A on the coding strand, the complement: ABCC8 is on the minus strand). VCF-style: chr11-17461574-C-T. GRCh37 (hg19) VCF-style: chr11-17483121-C-T.
Other names: c.819+12G>A (NM_001351297.2, NM_001351296.2); c.822+9G>A (NM_001351295.2, NM_001287174.3).
Identifiers: ClinVar variation 742413 (VCV000742413.10), dbSNP rs1007498516, ClinGen allele CA218451948.

ClinVar aggregate classification (germline): Conflicting classifications of pathogenicity. Review status: criteria provided, conflicting classifications (1 of 4 stars). 3 submissions from 2 submitters: Uncertain significance (2); Likely benign (1). Last evaluated 2022-08-06.

Conditions:
Transitory neonatal diabetes mellitus. Also called: Transient neonatal diabetes mellitus. Identifiers: MedGen C0342273, MONDO:0020525, HP:0008255.
Maturity-onset diabetes of the young (MODY). Also called: Maturity onset diabetes mellitus in young. Identifiers: Orphanet 552, MedGen C0342276, MONDO:0018911, HP:0004904.

Allele frequency attached by ClinVar (database versions not stated): TOPMed below 0.00001.
gnomAD v4.1: 9 of 1,614,190 alleles (0.00056%); highest among the groups gnomAD compares: Non-Finnish European, 0.00068%; no homozygotes.

Submissions (3):

Labcorp Genetics (formerly Invitae), Labcorp
Classification: Likely benign. Last evaluated: 2022-08-06. Review status: criteria provided, single submitter. Criteria: Invitae Variant Classification Sherloc (09022015). Collection method: clinical testing. Allele origin: germline.

Clinical Genomics, Uppaluri K&H Personalized Medicine Clinic
Classification: Uncertain significance for Transitory neonatal diabetes mellitus. Review status: criteria provided, single submitter. Criteria: K & H Uppaluri Personalized Medicine Clinic Variant Classification & Assertion Criteria_Updated V.1. Collection method: research. Allele origin: unknown. Inheritance: Somatic mutation.
Comment: Mutations in ABCC8 gene are associated with both neonatal diabetes mellitus as well as MODY. Patients with this mutation may have a better response to sulfonylureas. However, no sufficient evidence is found to ascertain the role of this particular variant ( rs1007498516) in neonatal diabetes yet.

Clinical Genomics, Uppaluri K&H Personalized Medicine Clinic
Classification: Uncertain significance for Maturity-onset diabetes of the young. Review status: criteria provided, single submitter. Criteria: K & H Uppaluri Personalized Medicine Clinic Variant Classification & Assertion Criteria_Updated V.1. Collection method: research. Allele origin: unknown. Inheritance: Autosomal dominant inheritance.
Comment: Mutations in ABCC8 gene are associated with both neonatal diabetes mellitus as well as MODY. Patients with this mutation may have a better response to sulfonylureas. However, no sufficient evidence is found to ascertain the role of this particular variant ( rs1007498516) in MODY yet.

Literature cited by the submitters: PubMed 16885549 (cited by Clinical Genomics, Uppaluri K&H Personalized Medicine Clinic); PubMed 21989597 (cited by Clinical Genomics, Uppaluri K&H Personalized Medicine Clinic); PubMed 27538677 (cited by Clinical Genomics, Uppaluri K&H Personalized Medicine Clinic); PubMed 18981553 (cited by Clinical Genomics, Uppaluri K&H Personalized Medicine Clinic); PubMed 32027066 (cited by Clinical Genomics, Uppaluri K&H Personalized Medicine Clinic); PubMed 16613899 (cited by Clinical Genomics, Uppaluri K&H Personalized Medicine Clinic); PubMed 18025408 (cited by Clinical Genomics, Uppaluri K&H Personalized Medicine Clinic); PubMed 32792356 (cited by Clinical Genomics, Uppaluri K&H Personalized Medicine Clinic).